The following is an entry in ClinVar:

ClinVar aggregate classification (germline): Likely pathogenic (1 of 4 stars; one submission).

Submission:

GeneDx
Classification: Likely pathogenic. Last evaluated: 2017-03-07. Review status: criteria provided, single submitter. Criteria: GeneDx Variant Classification (06012015). Collection method: clinical testing. Allele origin: germline. Affected: yes.
Comment: The c.161dupT variant in the LONP1 gene has not been reported previously as a pathogenic variant nor as a benign variant, to our knowledge. The c.161dupT variant causes a frameshift starting with codon Tryptophan 55, changes this amino acid to a Valine residue, and creates a premature Stop codon at position 91 of the new reading frame, denoted p.Trp55ValfsX91. This variant is predicted to cause loss of normal protein function either through protein truncation or nonsense-mediated mRNA decay. The c.161dupT variant is not observed in large population cohorts (Lek et al., 2016; 1000 Genomes Consortium et al., 2015; Exome Variant Server). We interpret c.161dupT as a likely pathogenic variant.

NM_004793.4(LONP1):c.161dup (p.Trp55fs)

Gene: LONP1 (lon peptidase 1, mitochondrial; minus strand). Cytogenetic location: 19p13.3.
Variant type: Duplication.
Coding change: c.161dup on transcript NM_004793.4 (MANE Select); coding-DNA position 161, one base duplicated (T; older notation c.161dupT).
Protein change: p.Trp55fs; shifts the reading frame from tryptophan 55.
Molecular consequence: frameshift variant. On other transcripts: intron variant (2).
Genome position (GRCh38, 1-based): chr19:5,719,972, A duplicated on the plus strand (T on the coding strand, the reverse complement: LONP1 is on the minus strand). VCF-style (leftmost placement, unchanged base first): chr19-5719971-C-CA. GRCh37 (hg19) VCF-style: chr19-5719982-C-CA.
Other names: c.-160+247dup (NM_001276480.1); c.124+37dup (NM_001276479.2); short protein forms W55fs.
Identifiers: ClinVar variation 423911 (VCV000423911.2), dbSNP rs1555715029, ClinGen allele CA16620907.